The following is an entry in ClinVar:

ClinVar aggregate classification (germline): Uncertain significance (1 of 4 stars; one submission).

Conditions:
Hereditary diffuse gastric adenocarcinoma (HDGC). Also called: DIFFUSE GASTRIC AND LOBULAR BREAST CANCER SYNDROME. Identifiers: Orphanet 26106, MedGen C1708349, MONDO:0007648, OMIM 137215.

Submission:

Labcorp Genetics (formerly Invitae), Labcorp
Classification: Uncertain significance for Hereditary diffuse gastric adenocarcinoma. Last evaluated: 2023-12-24. Review status: criteria provided, single submitter. Criteria: Invitae Variant Classification Sherloc (09022015). Collection method: clinical testing. Allele origin: unknown.
Comment: This variant results in a copy number gain of the genomic region encompassing exon(s) 1-2 of the CDH1 gene. This region includes the initiator codon of the gene. This copy number gain extends beyond the assayed region for this gene and therefore may encompass additional genes. As the precise location of this event is unknown, it may be in tandem or it may be located elsewhere in the genome. This variant has not been reported in the literature in individuals affected with CDH1-related conditions. Experimental studies and prediction algorithms are not available or were not evaluated, and the functional significance of this variant is currently unknown. In summary, the available evidence is currently insufficient to determine the role of this variant in disease. Therefore, it has been classified as a Variant of Uncertain Significance.

NC_000016.9:g.(?_68771319)_(68772334_?)dup

Gene: CDH1 (cadherin 1; plus strand). Cytogenetic location: 16q22.1.
Variant type: Duplication.
Identifiers: ClinVar variation 3243403 (VCV003243403.1).